The following is an entry in ClinVar:

ClinVar aggregate classification (germline): Benign (0 of 4 stars; one submission).

Conditions:
FSIP2-related disorder. Also called: FSIP2-related condition.

Allele frequency attached by ClinVar (database versions not stated): gnomAD exomes 0.00329; ExAC 0.00625; gnomAD 0.02183; TOPMed 0.02486; 1000 Genomes Project 0.02895.
gnomAD v4.1: 8,132 of 1,533,788 alleles (0.53%); highest among the groups gnomAD compares: African/African-American, 7.2%; 212 homozygotes.

Submission:

PreventionGenetics, part of Exact Sciences
Classification: Benign for FSIP2-related condition. Last evaluated: 2019-02-20. Review status: no assertion criteria provided. Collection method: clinical testing. Allele origin: germline.
Comment: This variant is classified as benign based on ACMG/AMP sequence variant interpretation guidelines (Richards et al. 2015 PMID: 25741868, with internal and published modifications).

NM_173651.4(FSIP2):c.8878T>C (p.Phe2960Leu)

Genes: FSIP2 (fibrous sheath interacting protein 2; plus strand), FSIP2-AS1 (FSIP2 antisense RNA 1; minus strand). Cytogenetic location: 2q32.1.
Variant type: single nucleotide variant.
Coding change: c.8878T>C on transcript NM_173651.4 (MANE Select); coding-DNA position 8878, T replaced by C.
Protein change: p.Phe2960Leu; replaces phenylalanine 2960 with leucine.
Molecular consequence: missense variant.
Genome position (GRCh38, 1-based): chr2:185,796,014, T>C. VCF-style: chr2-185796014-T-C. GRCh37 (hg19) VCF-style: chr2-186660741-T-C.
Other names: short protein forms F2960L.
Identifiers: ClinVar variation 3055485 (VCV003055485.2), dbSNP rs80269489, ClinGen allele CA2016839.